The following is an entry in ClinVar:

NM_001278116.2(L1CAM):c.3000C>T (p.Gly1000=)

Gene: L1CAM (L1 cell adhesion molecule; minus strand). Cytogenetic location: Xq28.
Variant type: single nucleotide variant.
Coding change: c.3000C>T on transcript NM_001278116.2 (MANE Select); coding-DNA position 3000, C replaced by T.
Protein change: p.Gly1000=; no amino-acid change (glycine 1000 retained).
Molecular consequence: synonymous variant.
Genome position (GRCh38, 1-based): chrX:153,864,867, G>A on the plus strand (C>T on the coding strand, the complement: L1CAM is on the minus strand). VCF-style: chrX-153864867-G-A. GRCh37 (hg19) VCF-style: chrX-153130322-G-A.
Other names: c.3000C>T, p.Gly1000= (NM_000425.5, NM_024003.3); c.2985C>T, p.Gly995= (NM_001143963.2).
Identifiers: ClinVar variation 1344433 (VCV001344433.30), dbSNP rs149420127, ClinGen allele CA10554048.
Genomic context (GRCh38, chrX:153,864,867, plus strand): 5'-TTCCTCCAGCTTACCAGACAAGGCCATAGTGCCTCCTTCCCGTACGATGGCTTCACCAGG[G>A]CCCTCTTTGGTGGTGGCCTGAAGCTGGAAGCGGTACCGCAGGTGGGGGCTGAGATCGGTC-3'
Protein context (NP_001265045.1, residues 990-1010): RFQLQATTKE[Gly1000=]PGEAIVREGG

ClinVar aggregate classification (germline): Conflicting classifications of pathogenicity. Review status: criteria provided, conflicting classifications (1 of 4 stars). 3 submissions from 3 submitters: Uncertain significance (1); Benign (1); Likely benign (1). Last evaluated 2024-01-08.

Conditions:
Spastic paraplegia. Identifiers: MedGen C0037772, HP:0001258.
Hereditary spastic paraplegia. Also called: Familial spastic paraparesis. Identifiers: Orphanet 685, MedGen C0037773, MONDO:0019064. Disease mechanism: loss of function.

Allele frequency attached by ClinVar (database versions not stated): gnomAD 0.00001; gnomAD exomes 0.00001; ExAC 0.00002; TOPMed 0.00002; ESP Exome Variant Server 0.00009.
gnomAD v4.1: 8 of 1,211,178 alleles (0.00066%); highest among the groups gnomAD compares: Non-Finnish European, 0.00089%; no homozygotes.

Submissions (3):

Labcorp Genetics (formerly Invitae), Labcorp
Classification: Benign for Spastic paraplegia. Last evaluated: 2024-01-08. Review status: criteria provided, single submitter. Criteria: Invitae Variant Classification Sherloc (09022015). Collection method: clinical testing. Allele origin: germline.

CeGaT Center for Human Genetics Tuebingen
Classification: Likely benign. Last evaluated: 2022-09-01. Review status: criteria provided, single submitter. Criteria: CeGaT Center For Human Genetics Tuebingen Variant Classification Criteria Version 2. Collection method: clinical testing. Allele origin: germline. Affected: yes. Observed: 1 variant allele.
Comment: L1CAM: BP4, BP7

Genome Diagnostics Laboratory, The Hospital for Sick Children
Classification: Uncertain significance for Hereditary spastic paraplegia. Last evaluated: 2020-05-01. Review status: criteria provided, single submitter. Criteria: ACMG Guidelines, 2015. Collection method: clinical testing. Allele origin: germline. Affected: yes.